The following is an entry in ClinVar:

NM_000142.5(FGFR3):c.2377C>G (p.Leu793Val)

Gene: FGFR3 (fibroblast growth factor receptor 3; plus strand). Cytogenetic location: 4p16.3.
Variant type: single nucleotide variant.
Coding change: c.2377C>G on transcript NM_000142.5 (MANE Select); coding-DNA position 2377, C replaced by G.
Protein change: p.Leu793Val; replaces leucine 793 with valine.
Molecular consequence: missense variant. On other transcripts: non-coding transcript variant (1).
Genome position (GRCh38, 1-based): chr4:1,807,218, C>G. VCF-style: chr4-1807218-C-G. GRCh37 (hg19) VCF-style: chr4-1808945-C-G.
Other names: c.2383C>G, p.Leu795Val (NM_001163213.2); c.2380C>G, p.Leu794Val (NM_001354809.2); c.2309C>G, p.Pro770Arg (NM_001354810.2); c.2041C>G, p.Leu681Val (NM_022965.4); short protein forms L681V, L793V, L794V, L795V, P770R.
Identifiers: ClinVar variation 3767766 (VCV003767766.1).

ClinVar aggregate classification (germline): Uncertain significance (1 of 4 stars; one submission).

Submission:

GeneDx
Classification: Uncertain significance. Last evaluated: 2024-09-05. Review status: criteria provided, single submitter. Criteria: GeneDx Variant Classification Process June 2021. Collection method: clinical testing. Allele origin: germline. Affected: yes.
Comment: Not observed at significant frequency in large population cohorts (gnomAD); In silico analysis indicates that this missense variant does not alter protein structure/function; Has not been previously published as pathogenic or benign to our knowledge